The following is an entry in ClinVar:

NM_201596.3(CACNB2):c.1817G>C (p.Arg606Pro)

Gene: CACNB2 (calcium voltage-gated channel auxiliary subunit beta 2; plus strand). Cytogenetic location: 10p12.31.
Variant type: single nucleotide variant.
Coding change: c.1817G>C on transcript NM_201596.3 (MANE Select); coding-DNA position 1817, G replaced by C.
Protein change: p.Arg606Pro; replaces arginine 606 with proline.
Molecular consequence: missense variant.
Genome position (GRCh38, 1-based): chr10:18,539,558, G>C. VCF-style: chr10-18539558-G-C. GRCh37 (hg19) VCF-style: chr10-18828487-G-C.
Other names: c.1652G>C, p.Arg551Pro (NM_000724.4); c.1619G>C, p.Arg540Pro (NM_001167945.2); c.1538G>C, p.Arg513Pro (NM_001330060.2); c.1673G>C, p.Arg558Pro (NM_201570.3); c.1733G>C, p.Arg578Pro (NM_201571.4); c.1661G>C, p.Arg554Pro (NM_201572.4); c.1655G>C, p.Arg552Pro (NM_201590.3); c.1703G>C, p.Arg568Pro (NM_201593.3); and 1 more; short protein forms R568P, R578P, R558P, R582P, R606P, R513P, R540P, R551P.
Identifiers: ClinVar variation 836974 (VCV000836974.14), dbSNP rs577739840, ClinGen allele CA5430178.

ClinVar aggregate classification (germline): Conflicting classifications of pathogenicity. Review status: criteria provided, conflicting classifications (1 of 4 stars). 6 submissions from 6 submitters: Uncertain significance (3); Likely benign (3). Last evaluated 2025-08-11.

Conditions:
Brugada syndrome 4 (BRGDA4). Identifiers: Orphanet 130, MedGen C2678477, MONDO:0012743, OMIM 611876.
CACNB2-related disorder. Also called: CACNB2-related condition.
Cardiovascular phenotype. Identifiers: MedGen CN230736.

Allele frequency attached by ClinVar (database versions not stated): TOPMed 0.00007.
gnomAD v4.1: 212 of 1,613,312 alleles (0.013%); highest among the groups gnomAD compares: Middle Eastern, 0.049%; no homozygotes.

Submissions (6):

PreventionGenetics, part of Exact Sciences
Classification: Uncertain significance for CACNB2-related condition. Last evaluated: 2025-08-11. Review status: criteria provided, single submitter. Criteria: ACMG Guidelines, 2015. Collection method: clinical testing. Allele origin: germline.
Comment: The CACNB2 c.1655G>C variant is predicted to result in the amino acid substitution p.Arg552Pro. This variant has been reported as a variant of uncertain significance in a case of sudden unexpected death (referred to as c.1652G>C, p.R551P in the alternate transcript NM_000724 in Scheiper et al. 2018. PubMed ID: 30415094). This variant is reported in 0.042% of alleles in individuals of South Asian descent in gnomAD. Although we suspect that this variant may be benign, at this time, the clinical significance of this variant is uncertain due to the absence of conclusive functional and genetic evidence.

Women's Health and Genetics/Laboratory Corporation of America, LabCorp
Classification: Likely benign. Last evaluated: 2025-06-02. Review status: criteria provided, single submitter. Criteria: LabCorp Variant Classification Summary - May 2015. Collection method: clinical testing. Allele origin: germline.
Comment: Variant summary: CACNB2 c.1655G>C (p.Arg552Pro) results in a non-conservative amino acid change in the encoded protein sequence. Algorithms developed to predict the effect of missense changes on protein structure and function all suggest that this variant is likely to be disruptive. The variant allele was found at a frequency of 0.00013 in 251270 control chromosomes, predominantly at a frequency of 0.00042 within the South Asian subpopulation in the gnomAD database. The observed variant frequency within South Asian control individuals in the gnomAD database is approximately 134 fold of the estimated maximal expected allele frequency for a pathogenic variant in CACNB2 causing Brugada Syndrome phenotype (3.1e-06). c.1655G>C has been reported in the literature in a young sudden unexplained death case (Scheiper_2018). This report however, does not provide unequivocal conclusions about association of the variant with Brugada Syndrome. To our knowledge, no experimental evidence demonstrating an impact on protein function has been reported. The following publication have been ascertained in the context of this evaluation (PMID: 30415094). ClinVar contains an entry for this variant (Variation ID: 836974). Based on the evidence outlined above, the variant was classified as likely benign.

Labcorp Genetics (formerly Invitae), Labcorp
Classification: Uncertain significance for Brugada syndrome 4. Last evaluated: 2025-01-27. Review status: criteria provided, single submitter. Criteria: Invitae Variant Classification Sherloc (09022015). Collection method: clinical testing. Allele origin: germline.
Comment: This sequence change replaces arginine, which is basic and polar, with proline, which is neutral and non-polar, at codon 552 of the CACNB2 protein (p.Arg552Pro). This variant is present in population databases (rs577739840, gnomAD 0.04%), and has an allele count higher than expected for a pathogenic variant. This missense change has been observed in individual(s) with sudden unexpected death (PMID: 30415094). This variant is also known as NM_000724 c.1652G>C p.R551P. ClinVar contains an entry for this variant (Variation ID: 836974). An algorithm developed to predict the effect of missense changes on protein structure and function (PolyPhen-2) suggests that this variant is likely to be disruptive. In summary, the available evidence is currently insufficient to determine the role of this variant in disease. Therefore, it has been classified as a Variant of Uncertain Significance.

Blueprint Genetics
Classification: Likely benign. Last evaluated: 2024-07-29. Review status: criteria provided, single submitter. Criteria: ACMG Guidelines, 2015. Collection method: clinical testing. Allele origin: germline.

Ambry Genetics
Classification: Likely benign for Cardiovascular phenotype. Last evaluated: 2022-05-10. Review status: criteria provided, single submitter. Criteria: Ambry Variant Classification Scheme 2023. Collection method: clinical testing. Allele origin: germline.

Revvity Omics, Revvity
Classification: Uncertain significance for Brugada syndrome 4. Last evaluated: 2019-12-19. Review status: criteria provided, single submitter. Criteria: ACMG Guidelines, 2015. Collection method: clinical testing. Allele origin: germline.

Literature cited by the submitters: PubMed 30415094 (cited by 3 submitters).